The following is an entry in ClinVar:

ClinVar aggregate classification (germline): Uncertain significance (1 of 4 stars; one submission).

Conditions:
Familial adenomatous polyposis 1 (FAP1). Also called: FAMILIAL ADENOMATOUS POLYPOSIS 1, ATTENUATED; POLYPOSIS, ADENOMATOUS INTESTINAL. Identifiers: MedGen C2713442, MONDO:0021056, OMIM 175100. Disease mechanism: loss of function.

Allele frequency attached by ClinVar (database versions not stated): gnomAD exomes below 0.00001.
gnomAD v4.1: 1 of 1,355,282 alleles (0.000074%); highest among the groups gnomAD compares: South Asian, 0.0012%; no homozygotes.

Submission:

Labcorp Genetics (formerly Invitae), Labcorp
Classification: Uncertain significance for Familial adenomatous polyposis 1. Last evaluated: 2023-11-02. Review status: criteria provided, single submitter. Criteria: Invitae Variant Classification Sherloc (09022015). Collection method: clinical testing. Allele origin: germline.
Comment: This variant occurs in a non-coding region of the APC gene. It does not change the encoded amino acid sequence of the APC protein. This variant is not present in population databases (gnomAD no frequency). This variant has not been reported in the literature in individuals affected with APC-related conditions. Experimental studies and prediction algorithms are not available or were not evaluated, and the functional significance of this variant is currently unknown. In summary, the available evidence is currently insufficient to determine the role of this variant in disease. Therefore, it has been classified as a Variant of Uncertain Significance.

NM_001127511.3(APC):c.-76G>A

Gene: APC (APC regulator of Wnt signaling pathway; plus strand). Cytogenetic location: 5q22.2.
Variant type: single nucleotide variant.
Coding change: c.-76G>A on transcript NM_001127511.3; 76 bases upstream of the start codon, G replaced by A.
Molecular consequence: 5 prime UTR variant. On other transcripts: non-coding transcript variant (2).
Genome position (GRCh38, 1-based): chr5:112,707,642, G>A. VCF-style: chr5-112707642-G-A. GRCh37 (hg19) VCF-style: chr5-112043339-G-A.
Other names: c.-76G>A (NM_001354902.2, NM_001407446.1, NM_001354897.2); c.-259G>A (NM_001407447.1, NM_001407452.1, NM_001407456.1 and 3 more transcripts); c.-26G>A (NM_001407448.1, NM_001407450.1, NM_001407457.1 and 1 more transcripts); c.-50G>A (NM_001407453.1); c.-1294G>A (NM_001407470.1, NM_001407472.1).
Identifiers: ClinVar variation 2919999 (VCV002919999.3), dbSNP rs1750592062, ClinGen allele CA2578379428.